The following is an entry in ClinVar:

NM_002655.3(PLAG1):c.1124A>G (p.Gln375Arg)

Gene: PLAG1 (PLAG1 zinc finger; minus strand). Cytogenetic location: 8q12.1.
Variant type: single nucleotide variant.
Coding change: c.1124A>G on transcript NM_002655.3 (MANE Select); coding-DNA position 1124, A replaced by G.
Protein change: p.Gln375Arg; replaces glutamine 375 with arginine.
Molecular consequence: missense variant.
Genome position (GRCh38, 1-based): chr8:56,166,622, T>C on the plus strand (A>G on the coding strand, the complement: PLAG1 is on the minus strand). VCF-style: chr8-56166622-T-C. GRCh37 (hg19) VCF-style: chr8-57079181-T-C.
Other names: c.1124A>G, p.Gln375Arg (NM_001114634.2); c.878A>G, p.Gln293Arg (NM_001114635.2); short protein forms Q375R, Q293R.
Identifiers: ClinVar variation 4728942 (VCV004728942.1).
Genomic context (GRCh38, chr8:56,166,622, plus strand): 5'-GCACCATCATCTAGGGACCCAATCTGAGGATCCAACCCTAGCTTAGATGATGACGATGCT[T>C]GAGAATCTTGGGATGAAGAGGGCACGCCACCTTGTAACTCCATCAGGTAACTCTCAATTT-3'
Protein context (NP_002646.2, residues 365-385): GGVPSSSQDS[Gln375Arg]ASSSSKLGLD

ClinVar aggregate classification (germline): Uncertain significance (1 of 4 stars; one submission).

Submission:

Labcorp Genetics (formerly Invitae), Labcorp
Classification: Uncertain significance. Last evaluated: 2025-10-11. Review status: criteria provided, single submitter. Criteria: Invitae Variant Classification Sherloc (09022015). Collection method: clinical testing. Allele origin: germline.
Comment: This sequence change replaces glutamine, which is neutral and polar, with arginine, which is basic and polar, at codon 375 of the PLAG1 protein (p.Gln375Arg). This variant is not present in population databases (gnomAD no frequency). This variant has not been reported in the literature in individuals affected with PLAG1-related conditions. An algorithm developed to predict the effect of missense changes on protein structure and function (PolyPhen-2) suggests that this variant is likely to be tolerated. In summary, the available evidence is currently insufficient to determine the role of this variant in disease. Therefore, it has been classified as a Variant of Uncertain Significance.